The following is an entry in ClinVar:

NM_001854.4(COL11A1):c.830_831dup (p.Tyr278fs)

Gene: COL11A1 (collagen type XI alpha 1 chain; minus strand). Cytogenetic location: 1p21.1.
Variant type: Microsatellite.
Coding change: c.830_831dup on transcript NM_001854.4 (MANE Select); coding-DNA positions 830 to 831, 2 bases duplicated (AG; older notation c.830_831dupAG).
Protein change: p.Tyr278fs; shifts the reading frame from tyrosine 278.
Molecular consequence: frameshift variant. On other transcripts: non-coding transcript variant (1), intron variant (2).
Genome position (GRCh38, 1-based): chr1:103,026,282-103,026,283, CT duplicated on the plus strand (AG on the coding strand, the reverse complement: COL11A1 is on the minus strand); duplicating any 2 consecutive bases within chr1:103,026,282-103,026,285 gives the same sequence; the c. name uses the placement nearest the transcript's 3' end. VCF-style (leftmost placement, unchanged base first): chr1-103026281-A-ACT. GRCh37 (hg19) VCF-style: chr1-103491837-A-ACT.
Other names: c.828_829AG[3], p.Tyr278Serfs (NM_001168249.1); c.830_831dup, p.Tyr278fs (NM_080630.4); c.781-672AG[3] (NM_001190709.2); c.781-333AG[3] (NM_080629.3); short protein forms Y278fs.
Identifiers: ClinVar variation 2863590 (VCV002863590.3), dbSNP rs2525620171, ClinGen allele CA2739275132.

ClinVar aggregate classification (germline): Pathogenic (1 of 4 stars; one submission).

Submission:

Labcorp Genetics (formerly Invitae), Labcorp
Classification: Pathogenic. Last evaluated: 2023-05-12. Review status: criteria provided, single submitter. Criteria: Invitae Variant Classification Sherloc (09022015). Collection method: clinical testing. Allele origin: germline.
Comment: This sequence change creates a premature translational stop signal (p.Tyr278Serfs*8) in the COL11A1 gene. It is expected to result in an absent or disrupted protein product. Loss-of-function variants in COL11A1 are known to be pathogenic (PMID: 20513134, 21035103, 23922384, 25240749, 32427345, 32756486). For these reasons, this variant has been classified as Pathogenic. This variant has not been reported in the literature in individuals affected with COL11A1-related conditions. This variant is not present in population databases (gnomAD no frequency).

Literature cited by the submitters: PubMed 20513134; PubMed 21035103; PubMed 23922384; PubMed 25240749; PubMed 32427345; PubMed 32756486.